The following is an entry in ClinVar:

NM_016188.5(ACTL6B):c.660C>T (p.Ile220=)

Gene: ACTL6B (actin like 6B; minus strand). Cytogenetic location: 7q22.1.
Variant type: single nucleotide variant.
Coding change: c.660C>T on transcript NM_016188.5 (MANE Select); coding-DNA position 660, C replaced by T.
Protein change: p.Ile220=; no amino-acid change (isoleucine 220 retained).
Molecular consequence: synonymous variant. On other transcripts: non-coding transcript variant (1).
Genome position (GRCh38, 1-based): chr7:100,648,565, G>A on the plus strand (C>T on the coding strand, the complement: ACTL6B is on the minus strand). VCF-style: chr7-100648565-G-A. GRCh37 (hg19) VCF-style: chr7-100246188-G-A.
Identifiers: ClinVar variation 2657754 (VCV002657754.24), dbSNP rs199610335, ClinGen allele CA4387202.
Genomic context (GRCh38, chr7:100,648,565, plus strand): 5'-GGGCGAGTGGCCAGGACTCTAGTGGCAGCTCCATGTCCCCAGAGGCCCCACCTTGGCTGC[G>A]ATCATGTAAGGTGGGATGATGTCAATGGCCATCTCCTGGAACAGCTCCCGGCACTGCATG-3'
Protein context (NP_057272.1, residues 210-230): MAIDIIPPYM[Ile220=]AAKEPVREGA

ClinVar aggregate classification (germline): Likely benign (1 of 4 stars; one submission).

Allele frequency attached by ClinVar (database versions not stated): ExAC 0.00004; ESP Exome Variant Server 0.00008; TOPMed 0.00009; gnomAD 0.00014; 1000 Genomes Project 30x 0.00016; gnomAD exomes 0.00018; 1000 Genomes Project 0.00020.
gnomAD v4.1: 283 of 1,605,290 alleles (0.018%); highest among the groups gnomAD compares: Non-Finnish European, 0.022%; no homozygotes.

Submission:

CeGaT Center for Human Genetics Tuebingen
Classification: Likely benign. Last evaluated: 2022-07-01. Review status: criteria provided, single submitter. Criteria: CeGaT Center For Human Genetics Tuebingen Variant Classification Criteria Version 2. Collection method: clinical testing. Allele origin: germline. Affected: yes. Observed: 1 variant allele.
Comment: ACTL6B: BP4, BP7